The following is an entry in ClinVar:

NM_000814.6(GABRB3):c.308C>A (p.Pro103His)

Gene: GABRB3 (gamma-aminobutyric acid type A receptor subunit beta3; minus strand). Cytogenetic location: 15q12.
Variant type: single nucleotide variant.
Coding change: c.308C>A on transcript NM_000814.6 (MANE Select); coding-DNA position 308, C replaced by A.
Protein change: p.Pro103His; replaces proline 103 with histidine.
Molecular consequence: missense variant. On other transcripts: non-coding transcript variant (1).
Genome position (GRCh38, 1-based): chr15:26,621,467, G>T on the plus strand (C>A on the coding strand, the complement: GABRB3 is on the minus strand). VCF-style: chr15-26621467-G-T. GRCh37 (hg19) VCF-style: chr15-26866614-G-T.
Other names: c.53C>A, p.Pro18His (NM_001191320.2, NM_001278631.2); c.95C>A, p.Pro32His (NM_001191321.3); c.308C>A, p.Pro103His (NM_021912.5); short protein forms P103H, P32H, P18H.
Identifiers: ClinVar variation 1037631 (VCV001037631.9), dbSNP rs1892480524, ClinGen allele CA391461226.

ClinVar aggregate classification (germline): Uncertain significance. Review status: criteria provided, multiple submitters, no conflicts (2 of 4 stars). 2 submissions from 2 submitters: Uncertain significance (2). Last evaluated 2025-02-18.

Conditions:
Epilepsy, childhood absence, susceptibility to, 1. Also called: Epilepsy, childhood absence 1. Identifiers: Orphanet 64280, MedGen C1838604, MONDO:0020759, OMIM 600131.
Epilepsy, childhood absence, susceptibility to, 5. Identifiers: Orphanet 64280, MedGen C2677087, MONDO:0012843, OMIM 612269.

Submissions (2):

Labcorp Genetics (formerly Invitae), Labcorp
Classification: Uncertain significance for Epilepsy, childhood absence, susceptibility to, 5; Epilepsy, childhood absence, susceptibility to, 1. Last evaluated: 2025-02-18. Review status: criteria provided, single submitter. Criteria: Invitae Variant Classification Sherloc (09022015). Collection method: clinical testing. Allele origin: germline.
Comment: This sequence change replaces proline, which is neutral and non-polar, with histidine, which is basic and polar, at codon 103 of the GABRB3 protein (p.Pro103His). This variant is not present in population databases (gnomAD no frequency). This variant has not been reported in the literature in individuals affected with GABRB3-related conditions. ClinVar contains an entry for this variant (Variation ID: 1037631). Invitae Evidence Modeling of protein sequence and biophysical properties (such as structural, functional, and spatial information, amino acid conservation, physicochemical variation, residue mobility, and thermodynamic stability) has been performed for this missense variant. However, the output from this modeling did not meet the statistical confidence thresholds required to predict the impact of this variant on GABRB3 protein function. In summary, the available evidence is currently insufficient to determine the role of this variant in disease. Therefore, it has been classified as a Variant of Uncertain Significance.

Blueprint Genetics
Classification: Uncertain significance. Last evaluated: 2019-10-10. Review status: criteria provided, single submitter. Criteria: ACMG Guidelines, 2015. Collection method: clinical testing. Allele origin: germline.